The following is an entry in ClinVar:

ClinVar aggregate classification (germline): Uncertain significance (1 of 4 stars; one submission).

Submission:

GeneDx
Classification: Uncertain significance. Last evaluated: 2024-07-26. Review status: criteria provided, single submitter. Criteria: GeneDx Variant Classification Process June 2021. Collection method: clinical testing. Allele origin: germline. Affected: yes.
Comment: Not observed at significant frequency in large population cohorts (gnomAD); In silico analysis supports a deleterious effect on splicing; Has not been previously published as pathogenic or benign to our knowledge

NM_016284.5(CNOT1):c.3828G>A (p.Lys1276=)

Gene: CNOT1 (CCR4-NOT transcription complex subunit 1; minus strand). Cytogenetic location: 16q21.
Variant type: single nucleotide variant.
Coding change: c.3828G>A on transcript NM_016284.5 (MANE Select); coding-DNA position 3828, G replaced by A.
Protein change: p.Lys1276=; no amino-acid change (lysine 1276 retained).
Molecular consequence: synonymous variant. On other transcripts: non-coding transcript variant (1).
Genome position (GRCh38, 1-based): chr16:58,546,672, C>T on the plus strand (G>A on the coding strand, the complement: CNOT1 is on the minus strand). VCF-style: chr16-58546672-C-T. GRCh37 (hg19) VCF-style: chr16-58580576-C-T.
Other names: c.3813G>A, p.Lys1271= (NM_001265612.2); c.3828G>A, p.Lys1276= (NM_206999.3).
Identifiers: ClinVar variation 3600581 (VCV003600581.1).